The following is an entry in ClinVar:

NM_001374828.1(ARID1B):c.2359C>T (p.Gln787Ter)

Gene: ARID1B (AT-rich interaction domain 1B; plus strand). Cytogenetic location: 6q25.3.
Variant type: single nucleotide variant.
Coding change: c.2359C>T on transcript NM_001374828.1 (MANE Select); coding-DNA position 2359, C replaced by T.
Protein change: p.Gln787Ter; replaces glutamine 787 with a stop codon.
Molecular consequence: nonsense. On other transcripts: 5 prime UTR variant (1).
Genome position (GRCh38, 1-based): chr6:157,084,773, C>T. VCF-style: chr6-157084773-C-T. GRCh37 (hg19) VCF-style: chr6-157405907-C-T.
Other names: c.2149C>T, p.Gln717Ter (NM_020732.3); c.-141C>T (NM_001363725.2); c.2398C>T, p.Gln800Ter (NM_001371656.1, NM_001374820.1); c.2359C>T, p.Gln787Ter (NM_017519.3); short protein forms Q717*, Q787*, Q800*.
Identifiers: ClinVar variation 210275 (VCV000210275.50), dbSNP rs753933273, ClinGen allele CA209839.

ClinVar aggregate classification (germline): Pathogenic. Review status: criteria provided, multiple submitters, no conflicts (2 of 4 stars). 5 submissions from 5 submitters: Pathogenic (5). Last evaluated 2023-09-09.

Conditions:
ARID1B-Related Disorder. Identifiers: MedGen CN381337.
Coffin-Siris syndrome 1 (CSS1). Also called: ARID1B-Related Coffin-Siris Syndrome; Mental retardation, autosomal dominant 12. Identifiers: Orphanet 1465, MedGen C3281201, MONDO:0007617, OMIM 135900. Disease mechanism: gain of function.

Submissions (5):

Blueprint Genetics
Classification: Pathogenic for ARID1B-related disorders. Last evaluated: 2023-09-09. Review status: criteria provided, single submitter. Criteria: ACMG Guidelines, 2015. Collection method: clinical testing. Allele origin: de novo. Affected: yes. Observed: 1 variant allele.

Genome-Nilou Lab
Classification: Pathogenic for Coffin-Siris syndrome 1. Last evaluated: 2021-07-15. Review status: criteria provided, single submitter. Criteria: ACMG Guidelines, 2015. Collection method: clinical testing. Allele origin: germline. Affected: no.

CeGaT Center for Human Genetics Tuebingen
Classification: Pathogenic. Last evaluated: 2019-10-01. Review status: criteria provided, single submitter. Criteria: CeGaT Center For Human Genetics Tuebingen Variant Classification Criteria Version 2. Collection method: clinical testing. Allele origin: germline. Affected: yes. Observed: 1 variant allele.

GeneDx
Classification: Pathogenic. Last evaluated: 2017-08-14. Review status: criteria provided, single submitter. Criteria: GeneDx Variant Classification (06012015). Collection method: clinical testing. Allele origin: germline. Affected: yes.
Comment: The Q717X variant in the ARID1B gene has not been reported previously as a pathogenic variant nor as a benign variant, to our knowledge. This variant is predicted to cause loss of normal protein function either through protein truncation or nonsense-mediated mRNA decay. The Q717X variant is not observed in large population cohorts (Lek et al., 2016; 1000 Genomes Consortium et al., 2015; Exome Variant Server). We interpret Q717X as a pathogenic variant.

Genetic Services Laboratory, University of Chicago
Classification: Pathogenic for Mental retardation, autosomal dominant 12. Last evaluated: 2014-07-01. Review status: criteria provided, single submitter. Criteria: ACMG Guidelines, 2015. Collection method: clinical testing. Allele origin: germline. Affected: yes.